The following is an entry in ClinVar:

NM_001876.4(CPT1A):c.1129del (p.Glu377fs)

Gene: CPT1A (carnitine palmitoyltransferase 1A; minus strand). Cytogenetic location: 11q13.3.
Variant type: Deletion.
Coding change: c.1129del on transcript NM_001876.4 (MANE Select); coding-DNA position 1129, one base deleted (G; older notation c.1129delG).
Protein change: p.Glu377fs; shifts the reading frame from glutamic acid 377.
Molecular consequence: frameshift variant.
Genome position (GRCh38, 1-based): chr11:68,784,849, C deleted on the plus strand (G on the coding strand, the reverse complement: CPT1A is on the minus strand); the first of 4 consecutive C bases (chr11:68,784,849-68,784,852); deleting any one gives the same sequence. VCF-style (leftmost placement, unchanged base first): chr11-68784848-TC-T. GRCh37 (hg19) VCF-style: chr11-68552316-TC-T.
Other names: c.1129del, p.Glu377fs (NM_001031847.3, NM_001440358.1, NM_001440359.1 and 3 more transcripts); c.1021del, p.Glu341fs (NM_001440363.1); c.943del, p.Glu315fs (NM_001440365.1); short protein forms E315fs, E341fs, E377fs.
Identifiers: ClinVar variation 4814970 (VCV004814970.1).

ClinVar aggregate classification (germline): Likely pathogenic (1 of 4 stars; one submission).

Conditions:
Carnitine palmitoyl transferase 1A deficiency. Also called: CPT I DEFICIENCY; CPT DEFICIENCY, HEPATIC, TYPE I; Carnitine palmitoyltransferase type I deficiency; CPT deficiency, hepatic, type IA; Carnitine palmitoyltransferase 1A deficiency. Identifiers: Orphanet 156, MedGen C1829703, MONDO:0009705, OMIM 255120.

Submission:

Natera, Inc.
Classification: Likely pathogenic for Carnitine palmitoyltransferase type I deficiency. Last evaluated: 2025-08-17. Review status: criteria provided, single submitter. Criteria: Natera Variant Classification Schema (03/2026). Collection method: clinical testing. Allele origin: germline.
Comment: The c.1129del variant in CPT1A is a frameshift variant predicted to shift the reading frame beginning at codon 377 and leads to a stop codon 42 codons downstream. This variant is expected to result in nonsense mediated decay, truncation, or a dysfunctional protein product. This variant is rare in the general population with a frequency below the threshold expected for the associated phenotype(s). Given the available evidence, this variant is classified as Likely Pathogenic.